The following is an entry in ClinVar:

NM_205836.3(FBXO38):c.3335G>A (p.Arg1112Gln)

Gene: FBXO38 (F-box protein 38; plus strand). Cytogenetic location: 5q32.
Variant type: single nucleotide variant.
Coding change: c.3335G>A on transcript NM_205836.3 (MANE Select); coding-DNA position 3335, G replaced by A.
Protein change: p.Arg1112Gln; replaces arginine 1112 with glutamine.
Molecular consequence: missense variant.
Genome position (GRCh38, 1-based): chr5:148,441,184, G>A. VCF-style: chr5-148441184-G-A. GRCh37 (hg19) VCF-style: chr5-147820747-G-A.
Other names: c.2600G>A, p.Arg867Gln (NM_001271723.2); c.3110G>A, p.Arg1037Gln (NM_030793.5); short protein forms R1112Q, R867Q, R1037Q.
Identifiers: ClinVar variation 2847579 (VCV002847579.3), dbSNP rs372096691, ClinGen allele CA128956793.
Genomic context (GRCh38, chr5:148,441,184, plus strand): 5'-GTGTTGTGGATGGAGCTCCATATTCCATGATTTCTGACTTCCCTTGGCTGAGGTCATTAC[G>A]AGCTGCAGAGCCCAACAGCTTCGCTCGATACGACTTTGAAGACGATGAAGAAAGTAATTA-3'
Protein context (NP_995308.1, residues 1102-1122): ISDFPWLRSL[Arg1112Gln]AAEPNSFARY

ClinVar aggregate classification (germline): Uncertain significance (1 of 4 stars; one submission).

Conditions:
Distal hereditary motor neuropathy type 2. Identifiers: Orphanet 139525, MedGen C3711384, MeSH C580044, MONDO:0015352.

Allele frequency attached by ClinVar (database versions not stated): gnomAD exomes below 0.00001; TOPMed below 0.00001; ESP Exome Variant Server 0.00008.
gnomAD v4.1: 1 of 1,613,778 alleles (0.000062%); highest among the groups gnomAD compares: East Asian, 0.0022%; no homozygotes.

Submission:

Labcorp Genetics (formerly Invitae), Labcorp
Classification: Uncertain significance for Distal hereditary motor neuropathy type 2. Last evaluated: 2023-08-17. Review status: criteria provided, single submitter. Criteria: Invitae Variant Classification Sherloc (09022015). Collection method: clinical testing. Allele origin: germline.
Comment: In summary, the available evidence is currently insufficient to determine the role of this variant in disease. Therefore, it has been classified as a Variant of Uncertain Significance. An algorithm developed to predict the effect of missense changes on protein structure and function (PolyPhen-2) suggests that this variant is likely to be disruptive. This variant has not been reported in the literature in individuals affected with FBXO38-related conditions. This variant is not present in population databases (gnomAD no frequency). This sequence change replaces arginine, which is basic and polar, with glutamine, which is neutral and polar, at codon 1037 of the FBXO38 protein (p.Arg1037Gln).